The following is an entry in ClinVar:

ClinVar aggregate classification (germline): Pathogenic (1 of 4 stars; one submission).

Submission:

CeGaT Center for Human Genetics Tuebingen
Classification: Pathogenic. Last evaluated: 2025-07-01. Review status: criteria provided, single submitter. Criteria: CeGaT Center For Human Genetics Tuebingen Variant Classification Criteria Version 2. Collection method: clinical testing. Allele origin: germline. Affected: yes. Observed: 1 variant allele.
Comment: GLIS3: PVS1, PM2

NM_001042413.2(GLIS3):c.484G>T (p.Gly162Ter)

Gene: GLIS3 (GLIS family zinc finger 3; minus strand). Cytogenetic location: 9p24.2.
Variant type: single nucleotide variant.
Coding change: c.484G>T on transcript NM_001042413.2 (MANE Select); coding-DNA position 484, G replaced by T.
Protein change: p.Gly162Ter; replaces glycine 162 with a stop codon.
Molecular consequence: nonsense. On other transcripts: intron variant (3).
Genome position (GRCh38, 1-based): chr9:4,125,846, C>A on the plus strand (G>T on the coding strand, the complement: GLIS3 is on the minus strand). VCF-style: chr9-4125846-C-A. GRCh37 (hg19) VCF-style: chr9-4125846-C-A.
Other names: c.484G>T, p.Gly162Ter (NM_001438914.1, NM_001438906.1, NM_001438907.1 and 2 more transcripts); c.19G>T, p.Gly7Ter (NM_001438915.1, NM_152629.4, NM_001438909.1); c.-70-6965G>T (NM_001438912.1, NM_001438911.1, NM_001438916.1); short protein forms G162*, G7*.
Identifiers: ClinVar variation 4085342 (VCV004085342.8).